The following is an entry in ClinVar:

ClinVar aggregate classification (germline): Uncertain significance (1 of 4 stars; one submission).

Conditions:
Charcot-Marie-Tooth disease dominant intermediate C (CMTDIC). Also called: CHARCOT-MARIE-TOOTH NEUROPATHY, DOMINANT INTERMEDIATE C. Identifiers: Orphanet 100045, MedGen C1842237, MONDO:0012012, OMIM 608323.

Submission:

Labcorp Genetics (formerly Invitae), Labcorp
Classification: Uncertain significance for Charcot-Marie-Tooth disease dominant intermediate C. Last evaluated: 2024-09-12. Review status: criteria provided, single submitter. Criteria: Invitae Variant Classification Sherloc (09022015). Collection method: clinical testing. Allele origin: germline.
Comment: This sequence change replaces aspartic acid, which is acidic and polar, with tyrosine, which is neutral and polar, at codon 61 of the YARS protein (p.Asp61Tyr). This variant is not present in population databases (gnomAD no frequency). This variant has not been reported in the literature in individuals affected with YARS-related conditions. Invitae Evidence Modeling of protein sequence and biophysical properties (such as structural, functional, and spatial information, amino acid conservation, physicochemical variation, residue mobility, and thermodynamic stability) indicates that this missense variant is expected to disrupt YARS protein function with a positive predictive value of 80%. In summary, the available evidence is currently insufficient to determine the role of this variant in disease. Therefore, it has been classified as a Variant of Uncertain Significance.

NM_003680.4(YARS1):c.181G>T (p.Asp61Tyr)

Gene: YARS1 (tyrosyl-tRNA synthetase 1; minus strand). Cytogenetic location: 1p35.1.
Variant type: single nucleotide variant.
Coding change: c.181G>T on transcript NM_003680.4 (MANE Select); coding-DNA position 181, G replaced by T.
Protein change: p.Asp61Tyr; replaces aspartic acid 61 with tyrosine.
Molecular consequence: missense variant.
Genome position (GRCh38, 1-based): chr1:32,810,934, C>A on the plus strand (G>T on the coding strand, the complement: YARS1 is on the minus strand). VCF-style: chr1-32810934-C-A. GRCh37 (hg19) VCF-style: chr1-33276535-C-A.
Other names: short protein forms D61Y.
Identifiers: ClinVar variation 3690908 (VCV003690908.2).
Genomic context (GRCh38, chr1:32,810,934, plus strand): 5'-GGGTCATTCCCCAAGGGCTTATAGCATTAGTTCTTACCTCACACCCTGCCTTTAAGAAGT[C>A]TGCAATCTTTGACATGGGCACAAAGTAAGCCACATGTGGTTTGCCCGTGGTTGCCGTTCC-3'
Protein context (NP_003671.1, residues 51-71): AYFVPMSKIA[Asp61Tyr]FLKAGCEVTI